The following is an entry in ClinVar:

ClinVar aggregate classification (germline): Likely benign. Review status: criteria provided, multiple submitters, no conflicts (2 of 4 stars). 2 submissions from 2 submitters: Likely benign (2). Last evaluated 2023-11-01.

Conditions:
Cerebral cavernous malformation 2. Also called: Familial Cerebral Cavernous Malformation 2. Identifiers: Orphanet 221061, MedGen C1864041, MONDO:0011304, OMIM 603284.

Allele frequency attached by ClinVar (database versions not stated): gnomAD exomes below 0.00001; TOPMed 0.00002.
gnomAD v4.1: 3 of 1,613,236 alleles (0.00019%); highest among the groups gnomAD compares: Admixed American, 0.0017%; no homozygotes.

Submissions (2):

CeGaT Center for Human Genetics Tuebingen
Classification: Likely benign. Last evaluated: 2023-11-01. Review status: criteria provided, single submitter. Criteria: CeGaT Center For Human Genetics Tuebingen Variant Classification Criteria Version 2. Collection method: clinical testing. Allele origin: germline. Affected: yes. Observed: 1 variant allele.
Comment: CCM2: BP4, BP7

Labcorp Genetics (formerly Invitae), Labcorp
Classification: Likely benign for Cerebral cavernous malformation 2. Last evaluated: 2022-07-06. Review status: criteria provided, single submitter. Criteria: Invitae Variant Classification Sherloc (09022015). Collection method: clinical testing. Allele origin: germline.

NM_031443.4(CCM2):c.1164C>T (p.His388=)

Gene: CCM2 (CCM2 scaffold protein; plus strand). Cytogenetic location: 7p13.
Variant type: single nucleotide variant.
Coding change: c.1164C>T on transcript NM_031443.4 (MANE Select); coding-DNA position 1164, C replaced by T.
Protein change: p.His388=; no amino-acid change (histidine 388 retained).
Molecular consequence: synonymous variant. On other transcripts: non-coding transcript variant (1).
Genome position (GRCh38, 1-based): chr7:45,075,886, C>T. VCF-style: chr7-45075886-C-T. GRCh37 (hg19) VCF-style: chr7-45115485-C-T.
Other names: c.1227C>T, p.His409= (NM_001029835.2); c.990C>T, p.His330= (NM_001167934.2); c.891C>T, p.His297= (NM_001167935.2); c.1287C>T, p.His429= (NM_001363458.2); c.1113C>T, p.His371= (NM_001363459.2).
Identifiers: ClinVar variation 1913337 (VCV001913337.28), dbSNP rs1019140961, ClinGen allele CA158004033.